The following is an entry in ClinVar:

NM_001367943.1(TCF7L2):c.1258C>T (p.Arg420Trp)

Gene: TCF7L2 (transcription factor 7 like 2; plus strand). Cytogenetic location: 10q25.3.
Variant type: single nucleotide variant.
Coding change: c.1258C>T on transcript NM_001367943.1 (MANE Select); coding-DNA position 1258, C replaced by T.
Protein change: p.Arg420Trp; replaces arginine 420 with tryptophan.
Molecular consequence: missense variant.
Genome position (GRCh38, 1-based): chr10:113,152,429, C>T. VCF-style: chr10-113152429-C-T. GRCh37 (hg19) VCF-style: chr10-114912188-C-T.
Other names: c.829C>T, p.Arg277Trp (NM_001349870.2); c.709C>T, p.Arg237Trp (NM_001349871.1); c.1258C>T, p.Arg420Trp (NM_001363501.2, NM_001146274.2, NM_001198531.2); c.1189C>T, p.Arg397Trp (NM_030756.5, NM_001146285.2, NM_001146286.2 and 3 more transcripts); c.1330C>T, p.Arg444Trp (NM_001146283.2); c.1177C>T, p.Arg393Trp (NM_001146284.2, NM_001198527.2); c.1204C>T, p.Arg402Trp (NM_001198525.2); c.1087C>T, p.Arg363Trp (NM_001198530.2); short protein forms R237W, R277W, R363W, R393W, R397W, R402W, R420W, R444W.
Identifiers: ClinVar variation 3383533 (VCV003383533.3).
Genomic context (GRCh38, chr10:113,152,429, plus strand): 5'-TACGAGCTGGCCCGGAAGGAGCGACAGCTTCATATGCAACTGTACCCCGGCTGGTCCGCG[C>T]GGGATAACTATGTAGGTGGATCATTTTCGTTAGGATTGGAGTCTGTAGAGCTGTGTTGTG-3'
Protein context (NP_001354872.1, residues 410-430): HMQLYPGWSA[Arg420Trp]DNYGKKKKRK

ClinVar aggregate classification (germline): Pathogenic/Likely pathogenic. Review status: criteria provided, multiple submitters, no conflicts (2 of 4 stars). 2 submissions from 2 submitters: Pathogenic (1); Likely pathogenic (1). Last evaluated 2025-10-26.

Conditions:
TCF7L2-related neurodevelopmental disorder. Identifiers: MedGen CN375563, MONDO:0100525.

gnomAD v4.1: 1 of 1,613,600 alleles (0.000062%); no homozygotes.

Submissions (2):

Victorian Clinical Genetics Services, Murdoch Childrens Research Institute
Classification: Likely pathogenic for TCF7L2-related neurodevelopmental disorder. Last evaluated: 2025-10-26. Review status: criteria provided, single submitter. Criteria: ACMG Guidelines, 2015. Collection method: clinical testing. Allele origin: germline. Affected: yes.
Comment: This variant is classified as Likely pathogenic. Evidence in support of pathogenic classification: Variant is present in gnomAD <0.001 for a dominant condition (v4: 1 heterozygote(s), 0 homozygote(s)); This variant has strong previous evidence of pathogenicity in unrelated individuals. This variant has been shown to be de novo in an individual with myopia, intellectual disability, and autism (DECIPHER). Additionally, it has been shown to be de novo in three individuals with developmental delay (GeneDx, personal communication); Missense variant predicted to be damaging by in silico tool(s) or highly conserved with a major amino acid change. Additional information: Variant is predicted to result in a missense amino acid change from Arg to Trp; This variant is heterozygous; This gene is associated with autosomal dominant disease; Alternative amino acid change(s) at the same position are present in gnomAD (v4: 1 heterozygote(s), 0 homozygote(s)); No published functional evidence has been identified for this variant; No comparable missense variants have previous evidence for pathogenicity; Variant is not located in an established domain, motif, hotspot or informative constraint region; The variant appears to be mosaic; however, mosaicism cannot be confirmed with this test.

GeneDx
Classification: Pathogenic. Last evaluated: 2025-01-25. Review status: criteria provided, single submitter. Criteria: GeneDx Variant Classification Process June 2021. Collection method: clinical testing. Allele origin: germline. Affected: yes.
Comment: De novo variant in a patient in published literature from a cohort of individuals with developmental disorders; however, detailed clinical information was not provided (PMID: 33057194); Not observed at significant frequency in large population cohorts (gnomAD); In silico analysis supports that this missense variant has a deleterious effect on protein structure/function; This variant is associated with the following publications: (PMID: 35982159, 33057194)